The following is an entry in ClinVar:

ClinVar aggregate classification (germline): Benign (0 of 4 stars; one submission).

Conditions:
CCAR2-related disorder. Also called: CCAR2-related condition.

Allele frequency attached by ClinVar (database versions not stated): gnomAD exomes 0.04302; ExAC 0.06720; gnomAD 0.12215; ESP Exome Variant Server 0.12986; TOPMed 0.13006; 1000 Genomes Project 0.13578; 1000 Genomes Project 30x 0.13663.
gnomAD v4.1: 82,176 of 1,613,606 alleles (5.1%); highest among the groups gnomAD compares: African/African-American, 34%; 5,835 homozygotes.

Submission:

PreventionGenetics, part of Exact Sciences
Classification: Benign for CCAR2-related condition. Last evaluated: 2019-12-06. Review status: no assertion criteria provided. Collection method: clinical testing. Allele origin: germline.
Comment: This variant is classified as benign based on ACMG/AMP sequence variant interpretation guidelines (Richards et al. 2015 PMID: 25741868, with internal and published modifications).

NM_001393997.1(CCAR2):c.1407T>C (p.Asp469=)

Gene: CCAR2 (cell cycle and apoptosis regulator 2; plus strand). Cytogenetic location: 8p21.3.
Variant type: single nucleotide variant.
Coding change: c.1407T>C on transcript NM_001393997.1 (MANE Select); coding-DNA position 1407, T replaced by C.
Protein change: p.Asp469=; no amino-acid change (aspartic acid 469 retained).
Molecular consequence: synonymous variant.
Genome position (GRCh38, 1-based): chr8:22,615,711, T>C. VCF-style: chr8-22615711-T-C. GRCh37 (hg19) VCF-style: chr8-22473224-T-C.
Other names: c.1407T>C, p.Asp469= (NM_001363068.2, NM_001363069.2, NM_021174.6).
Identifiers: ClinVar variation 3059635 (VCV003059635.2), dbSNP rs6558165, ClinGen allele CA4670766.
Genomic context (GRCh38, chr8:22,615,711, plus strand): 5'-CCAGAGGGTCTCATTTCAGCTGTTGTCACAGGAAACGGAGCCTACTGAACAGGCACCTGA[T>C]GCCTTGGAGCAAGCAGCAGACACTTCTAGACGGAACGCAGAAACTCCAGAGGCCACCACA-3'
Protein context (NP_001380926.1, residues 459-479): GETEPTEQAP[Asp469=]ALEQAADTSR